The following is an entry in ClinVar:

ClinVar aggregate classification (germline): Conflicting classifications of pathogenicity. Review status: criteria provided, conflicting classifications (1 of 4 stars). 2 submissions from 2 submitters: Uncertain significance (1); Likely benign (1). Last evaluated 2025-11-22.

Conditions:
Inborn genetic diseases. Identifiers: MedGen C0950123, MeSH D030342.
Fibrous dysplasia of jaw (CRBM). Also called: Cherubism. Identifiers: Orphanet 184, MedGen C0008029, MONDO:0007315, OMIM 118400.

Allele frequency attached by ClinVar (database versions not stated): TOPMed 0.00004; ExAC 0.00005; ESP Exome Variant Server 0.00008; gnomAD 0.00001 and 0.00002; gnomAD exomes 0.00003.
gnomAD v4.1: 32 of 1,611,030 alleles (0.002%); highest among the groups gnomAD compares: South Asian, 0.0088%; 1 homozygote.

Submissions (2):

Labcorp Genetics (formerly Invitae), Labcorp
Classification: Uncertain significance for Fibrous dysplasia of jaw. Last evaluated: 2025-11-22. Review status: criteria provided, single submitter. Criteria: Invitae Variant Classification Sherloc (09022015). Collection method: clinical testing. Allele origin: germline.
Comment: This sequence change replaces alanine, which is neutral and non-polar, with valine, which is neutral and non-polar, at codon 387 of the SH3BP2 protein (p.Ala387Val). This variant is present in population databases (rs372762732, gnomAD 0.01%). This variant has not been reported in the literature in individuals affected with SH3BP2-related conditions. ClinVar contains an entry for this variant (Variation ID: 937698). Invitae Evidence Modeling of protein sequence and biophysical properties (such as structural, functional, and spatial information, amino acid conservation, physicochemical variation, residue mobility, and thermodynamic stability) indicates that this missense variant is not expected to disrupt SH3BP2 protein function with a negative predictive value of 95%. In summary, the available evidence is currently insufficient to determine the role of this variant in disease. Therefore, it has been classified as a Variant of Uncertain Significance.

Ambry Genetics
Classification: Likely benign for Inborn genetic diseases. Last evaluated: 2025-06-16. Review status: criteria provided, single submitter. Criteria: Ambry Variant Classification Scheme 2023. Collection method: clinical testing. Allele origin: germline.

NM_001122681.2(SH3BP2):c.1160C>T (p.Ala387Val)

Gene: SH3BP2 (SH3 domain binding protein 2; plus strand). Cytogenetic location: 4p16.3.
Variant type: single nucleotide variant.
Coding change: c.1160C>T on transcript NM_001122681.2 (MANE Select); coding-DNA position 1160, C replaced by T.
Protein change: p.Ala387Val; replaces alanine 387 with valine.
Molecular consequence: missense variant.
Genome position (GRCh38, 1-based): chr4:2,830,066, C>T. VCF-style: chr4-2830066-C-T. GRCh37 (hg19) VCF-style: chr4-2831793-C-T.
Other names: c.1244C>T, p.Ala415Val (NM_001145855.2); c.1331C>T, p.Ala444Val (NM_001145856.2); c.1160C>T, p.Ala387Val (NM_003023.4); short protein forms A387V, A415V, A444V.
Identifiers: ClinVar variation 937698 (VCV000937698.10), dbSNP rs372762732, ClinGen allele CA2819403.